The following is an entry in ClinVar:

NM_000283.4(PDE6B):c.1435G>A (p.Asp479Asn)

Gene: PDE6B (phosphodiesterase 6B; plus strand). Cytogenetic location: 4p16.3.
Variant type: single nucleotide variant.
Coding change: c.1435G>A on transcript NM_000283.4 (MANE Select); coding-DNA position 1435, G replaced by A.
Protein change: p.Asp479Asn; replaces aspartic acid 479 with asparagine.
Molecular consequence: missense variant.
Genome position (GRCh38, 1-based): chr4:658,985, G>A. VCF-style: chr4-658985-G-A. GRCh37 (hg19) VCF-style: chr4-652774-G-A.
Other names: c.1435G>A, p.Asp479Asn (NM_001145291.2, NM_001440547.1, NM_001440548.1); c.598G>A, p.Asp200Asn (NM_001145292.2, NM_001350154.3, NM_001379246.1 and 1 more transcripts); c.280G>A, p.Asp94Asn (NM_001350155.3); short protein forms D479N, D200N, D94N.
Identifiers: ClinVar variation 4762156 (VCV004762156.1).

ClinVar aggregate classification (germline): Uncertain significance (1 of 4 stars; one submission).

gnomAD v4.1: 1 of 1,613,656 alleles (0.000062%); highest among the groups gnomAD compares: Admixed American, 0.0017%; no homozygotes.

Submission:

Labcorp Genetics (formerly Invitae), Labcorp
Classification: Uncertain significance. Last evaluated: 2025-10-29. Review status: criteria provided, single submitter. Criteria: Invitae Variant Classification Sherloc (09022015). Collection method: clinical testing. Allele origin: germline.
Comment: This sequence change replaces aspartic acid, which is acidic and polar, with asparagine, which is neutral and polar, at codon 479 of the PDE6B protein (p.Asp479Asn). This variant is not present in population databases (gnomAD no frequency). This variant has not been reported in the literature in individuals affected with PDE6B-related conditions. Invitae Evidence Modeling of protein sequence and biophysical properties (such as structural, functional, and spatial information, amino acid conservation, physicochemical variation, residue mobility, and thermodynamic stability) has been performed for this missense variant. However, the output from this modeling did not meet the statistical confidence thresholds required to predict the impact of this variant on PDE6B protein function. In summary, the available evidence is currently insufficient to determine the role of this variant in disease. Therefore, it has been classified as a Variant of Uncertain Significance.